The following is an entry in ClinVar:

ClinVar aggregate classification (germline): Uncertain significance (1 of 4 stars; one submission).

Conditions:
Combined oxidative phosphorylation defect type 27. Also called: Combined oxidative phosphorylation deficiency 27. Identifiers: Orphanet 477774, MedGen C5567608, MONDO:0014728, OMIM 616672.

gnomAD v4.1: 1 of 1,608,436 alleles (0.000062%); highest among the groups gnomAD compares: Non-Finnish European, 0.000085%; no homozygotes.

Submission:

Labcorp Genetics (formerly Invitae), Labcorp
Classification: Uncertain significance for Combined oxidative phosphorylation defect type 27. Last evaluated: 2019-02-27. Review status: criteria provided, single submitter. Criteria: Invitae Variant Classification Sherloc (09022015). Collection method: clinical testing. Allele origin: germline.
Comment: This variant has not been reported in the literature in individuals with CARS2-related conditions. This sequence change replaces glycine with valine at codon 476 of the CARS2 protein (p.Gly476Val). The glycine residue is weakly conserved and there is a moderate physicochemical difference between glycine and valine. This variant is not present in population databases (ExAC no frequency). Algorithms developed to predict the effect of missense changes on protein structure and function (SIFT, PolyPhen-2, Align-GVGD) all suggest that this variant is likely to be tolerated, but these predictions have not been confirmed by published functional studies and their clinical significance is uncertain. In summary, the available evidence is currently insufficient to determine the role of this variant in disease. Therefore, it has been classified as a Variant of Uncertain Significance.

NM_024537.4(CARS2):c.1427G>T (p.Gly476Val)

Gene: CARS2 (cysteinyl-tRNA synthetase 2, mitochondrial; minus strand). Cytogenetic location: 13q34.
Variant type: single nucleotide variant.
Coding change: c.1427G>T on transcript NM_024537.4 (MANE Select); coding-DNA position 1427, G replaced by T.
Protein change: p.Gly476Val; replaces glycine 476 with valine.
Molecular consequence: missense variant. On other transcripts: non-coding transcript variant (2).
Genome position (GRCh38, 1-based): chr13:110,642,511, C>A on the plus strand (G>T on the coding strand, the complement: CARS2 is on the minus strand). VCF-style: chr13-110642511-C-A. GRCh37 (hg19) VCF-style: chr13-111294858-C-A.
Other names: c.641G>T, p.Gly214Val (NM_001352252.2); short protein forms G476V, G214V.
Identifiers: ClinVar variation 844782 (VCV000844782.9), dbSNP rs902904499, ClinGen allele CA388740574.
Genomic context (GRCh38, chr13:110,642,511, plus strand): 5'-TTCTGCCGGAACCGCACCAGCTCGTCCACCACACCATGCAAGGTAGCCTCGCTGCCGTCT[C>A]CTGAAACGTACTGAAGCCAGCAGGGCGCGGTTACGTCCCCCGGAGACTGTGGATTGTGGA-3'
Protein context (NP_078813.1, residues 466-486): ISLANQQYVS[Gly476Val]DGSEATLHGV